The following is an entry in ClinVar:

ClinVar aggregate classification (germline): Uncertain significance (1 of 4 stars; one submission).

Submission:

Ambry Genetics
Classification: Uncertain significance. Last evaluated: 2025-04-06. Review status: criteria provided, single submitter. Criteria: Ambry Variant Classification Scheme 2023. Collection method: clinical testing. Allele origin: germline.
Comment: The p.R61S variant (also known as c.181C>A), located in coding exon 1 of the GALNT12 gene, results from a C to A substitution at nucleotide position 181. The arginine at codon 61 is replaced by serine, an amino acid with dissimilar properties. This amino acid position is conserved. In addition, this alteration is predicted to be tolerated by in silico analysis. Based on the available evidence, the clinical significance of this variant remains unclear.

NM_024642.5(GALNT12):c.181C>A (p.Arg61Ser)

Gene: GALNT12 (polypeptide N-acetylgalactosaminyltransferase 12; plus strand). Cytogenetic location: 9q22.33.
Variant type: single nucleotide variant.
Coding change: c.181C>A on transcript NM_024642.5 (MANE Select); coding-DNA position 181, C replaced by A.
Protein change: p.Arg61Ser; replaces arginine 61 with serine.
Molecular consequence: missense variant.
Genome position (GRCh38, 1-based): chr9:98,807,879, C>A. VCF-style: chr9-98807879-C-A. GRCh37 (hg19) VCF-style: chr9-101570161-C-A.
Other names: short protein forms R61S.
Identifiers: ClinVar variation 4028003 (VCV004028003.1).
Genomic context (GRCh38, chr9:98,807,879, plus strand): 5'-CGTGGGGCCGGGGCCGGGGCTGCCGAGCCGGGACCCCCGCGCACCCCGCGCCCCGGGCGG[C>A]GCGAGCCGGTCATGCCGCGGCCGCCGGTGCCGGCGAACGCGCTGGGCGCGCGGGGCGAGG-3'
Protein context (NP_078918.3, residues 51-71): GPPRTPRPGR[Arg61Ser]EPVMPRPPVP